The following is an entry in ClinVar:

NM_000400.4(ERCC2):c.191C>T (p.Pro64Leu)

Gene: ERCC2 (ERCC excision repair 2, TFIIH core complex helicase subunit; minus strand). Cytogenetic location: 19q13.32.
Variant type: single nucleotide variant.
Coding change: c.191C>T on transcript NM_000400.4 (MANE Select); coding-DNA position 191, C replaced by T.
Protein change: p.Pro64Leu; replaces proline 64 with leucine.
Molecular consequence: missense variant.
Genome position (GRCh38, 1-based): chr19:45,368,985, G>A on the plus strand (C>T on the coding strand, the complement: ERCC2 is on the minus strand). VCF-style: chr19-45368985-G-A. GRCh37 (hg19) VCF-style: chr19-45872243-G-A.
Other names: c.119C>T, p.Pro40Leu (NM_001130867.2); short protein forms P40L, P64L.
Identifiers: ClinVar variation 1782636 (VCV001782636.5), dbSNP rs773453200, ClinGen allele CA9513872.

ClinVar aggregate classification (germline): Uncertain significance. Review status: criteria provided, multiple submitters, no conflicts (2 of 4 stars). 2 submissions from 2 submitters: Uncertain significance (2). Last evaluated 2025-11-17.

Conditions:
Inborn genetic diseases. Identifiers: MedGen C0950123, MeSH D030342.

Allele frequency attached by ClinVar (database versions not stated): gnomAD 0.00001; TOPMed 0.00001; gnomAD exomes below 0.00001; ExAC 0.00001.

Submissions (2):

Ambry Genetics
Classification: Uncertain significance for Inborn genetic diseases. Last evaluated: 2025-11-17. Review status: criteria provided, single submitter. Criteria: Ambry Variant Classification Scheme 2023. Collection method: clinical testing. Allele origin: germline.
Comment: The c.191C>T (p.P64L) alteration is located in exon 4 (coding exon 4) of the ERCC2 gene. This alteration results from a C to T substitution at nucleotide position 191, causing the proline (P) at amino acid position 64 to be replaced by a leucine (L). Based on data from gnomAD, the T allele has an overall frequency of <0.001% (1/251480) total alleles studied. The highest observed frequency was 0.006% (1/16254) of African alleles. Based on insufficient or conflicting evidence, the clinical significance of this alteration remains unclear.

Labcorp Genetics (formerly Invitae), Labcorp
Classification: Uncertain significance. Last evaluated: 2021-11-26. Review status: criteria provided, single submitter. Criteria: Invitae Variant Classification Sherloc (09022015). Collection method: clinical testing. Allele origin: germline.
Comment: This sequence change replaces proline, which is neutral and non-polar, with leucine, which is neutral and non-polar, at codon 64 of the ERCC2 protein (p.Pro64Leu). This variant is present in population databases (rs773453200, gnomAD 0.007%). This variant has not been reported in the literature in individuals affected with ERCC2-related conditions. Algorithms developed to predict the effect of missense changes on protein structure and function are either unavailable or do not agree on the potential impact of this missense change (SIFT: "Deleterious"; PolyPhen-2: "Possibly Damaging"; Align-GVGD: "Class C0"). In summary, the available evidence is currently insufficient to determine the role of this variant in disease. Therefore, it has been classified as a Variant of Uncertain Significance.